The following is an entry in ClinVar:

NM_000038.6(APC):c.3588A>C (p.Ser1196=)

Gene: APC (APC regulator of Wnt signaling pathway; plus strand). Cytogenetic location: 5q22.2.
Variant type: single nucleotide variant.
Coding change: c.3588A>C on transcript NM_000038.6 (MANE Select); coding-DNA position 3588, A replaced by C.
Protein change: p.Ser1196=; no amino-acid change (serine 1196 retained).
Molecular consequence: synonymous variant.
Genome position (GRCh38, 1-based): chr5:112,839,182, A>C. VCF-style: chr5-112839182-A-C. GRCh37 (hg19) VCF-style: chr5-112174879-A-C.
Other names: c.3588A>C, p.Ser1196= (NM_001127510.3, NM_001354895.2); c.3534A>C, p.Ser1178= (NM_001127511.3); c.3642A>C, p.Ser1214= (NM_001354896.2); c.3618A>C, p.Ser1206= (NM_001354897.2); c.3513A>C, p.Ser1171= (NM_001354898.2); c.3504A>C, p.Ser1168= (NM_001354899.2); c.3465A>C, p.Ser1155= (NM_001354900.2); c.3411A>C, p.Ser1137= (NM_001354901.2); and 5 more.
Identifiers: ClinVar variation 1155678 (VCV001155678.11), dbSNP rs1765463829, ClinGen allele CA445963629.

ClinVar aggregate classification (germline): Benign/Likely benign. Review status: criteria provided, multiple submitters, no conflicts (2 of 4 stars). 2 submissions from 2 submitters: Benign (1); Likely benign (1). Last evaluated 2024-03-21.

Conditions:
Familial adenomatous polyposis 1 (FAP1). Also called: POLYPOSIS, ADENOMATOUS INTESTINAL; FAMILIAL ADENOMATOUS POLYPOSIS 1, ATTENUATED. Identifiers: MedGen C2713442, MONDO:0021056, OMIM 175100. Disease mechanism: loss of function.

Submissions (2):

Myriad Genetics, Inc.
Classification: Benign for Familial adenomatous polyposis 1. Last evaluated: 2024-03-21. Review status: criteria provided, single submitter. Criteria: Myriad Autosomal Dominant, Autosomal Recessive and X-Linked Classification Criteria (2023). Collection method: clinical testing. Allele origin: unknown.
Comment: This variant is considered benign. This variant is a silent/synonymous amino acid change and it is not expected to impact splicing.

Labcorp Genetics (formerly Invitae), Labcorp
Classification: Likely benign for Familial adenomatous polyposis 1. Last evaluated: 2019-01-28. Review status: criteria provided, single submitter. Criteria: Invitae Variant Classification Sherloc (09022015). Collection method: clinical testing. Allele origin: germline.